The following is an entry in ClinVar:

NM_015102.5(NPHP4):c.3733C>T (p.Leu1245=)

Gene: NPHP4 (nephrocystin 4; minus strand). Cytogenetic location: 1p36.31.
Variant type: single nucleotide variant.
Coding change: c.3733C>T on transcript NM_015102.5 (MANE Select); coding-DNA position 3733, C replaced by T.
Protein change: p.Leu1245=; no amino-acid change (leucine 1245 retained).
Molecular consequence: synonymous variant. On other transcripts: non-coding transcript variant (1).
Genome position (GRCh38, 1-based): chr1:5,865,185, G>A on the plus strand (C>T on the coding strand, the complement: NPHP4 is on the minus strand). VCF-style: chr1-5865185-G-A. GRCh37 (hg19) VCF-style: chr1-5925245-G-A.
Other names: c.3733C>T (NM_015102.4); c.2194C>T, p.Leu732= (NM_001291593.2); c.2197C>T, p.Leu733= (NM_001291594.2).
Identifiers: ClinVar variation 4778949 (VCV004778949.2).

ClinVar aggregate classification (germline): Likely benign. Review status: criteria provided, multiple submitters, no conflicts (2 of 4 stars). 2 submissions from 2 submitters: Likely benign (2). Last evaluated 2026-08-08.

Conditions:
Nephronophthisis. Also called: Juvenile Nephronophthisis. Identifiers: Orphanet 655, MedGen C0687120, MONDO:0019005, HP:0000090.
NPHP4-related disorder. Also called: NPHP4-related condition; NPHP4-related disorders. Identifiers: MedGen CN239384.

Submissions (2):

PreventionGenetics, part of Exact Sciences
Classification: Likely benign for NPHP4-related condition. Last evaluated: 2026-08-08. Review status: criteria provided, single submitter. Criteria: ACMG Guidelines, 2015. Collection method: clinical testing. Allele origin: germline.
Comment: This variant is classified as likely benign based on ACMG/AMP sequence variant interpretation guidelines (Richards et al. 2015 PMID: 25741868, with internal and published modifications).

Labcorp Genetics (formerly Invitae), Labcorp
Classification: Likely benign for Nephronophthisis. Last evaluated: 2025-03-29. Review status: criteria provided, single submitter. Criteria: Invitae Variant Classification Sherloc (09022015). Collection method: clinical testing. Allele origin: germline.